The following is an entry in ClinVar:

NM_007254.4(PNKP):c.855C>G (p.Ile285Met)

Gene: PNKP (polynucleotide kinase 3'-phosphatase; minus strand). Cytogenetic location: 19q13.33.
Variant type: single nucleotide variant.
Coding change: c.855C>G on transcript NM_007254.4 (MANE Select); coding-DNA position 855, C replaced by G.
Protein change: p.Ile285Met; replaces isoleucine 285 with methionine.
Molecular consequence: missense variant.
Genome position (GRCh38, 1-based): chr19:49,862,700, G>C on the plus strand (C>G on the coding strand, the complement: PNKP is on the minus strand). VCF-style: chr19-49862700-G-C. GRCh37 (hg19) VCF-style: chr19-50365957-G-C.
Other names: short protein forms I285M.
Identifiers: ClinVar variation 1763848 (VCV001763848.2), dbSNP rs2514637079, ClinGen allele CA406882323.

ClinVar aggregate classification (germline): Uncertain significance (1 of 4 stars; one submission).

Conditions:
Inborn genetic diseases. Identifiers: MedGen C0950123, MeSH D030342.

Submission:

Ambry Genetics
Classification: Uncertain significance for Inborn genetic diseases. Last evaluated: 2019-09-22. Review status: criteria provided, single submitter. Criteria: Ambry Variant Classification Scheme 2023. Collection method: clinical testing. Allele origin: germline.
Comment: The p.I285M variant (also known as c.855C>G), located in coding exon 8 of the PNKP gene, results from a C to G substitution at nucleotide position 855. The isoleucine at codon 285 is replaced by methionine, an amino acid with highly similar properties. This amino acid position is poorly conserved in available vertebrate species. In addition, this alteration is predicted to be tolerated by in silico analysis. Since supporting evidence is limited at this time, the clinical significance of this alteration remains unclear.